The following is an entry in ClinVar:

ClinVar aggregate classification (germline): Conflicting classifications of pathogenicity. Review status: criteria provided, conflicting classifications (1 of 4 stars). 5 submissions from 5 submitters: Uncertain significance (3); Likely benign (2). Last evaluated 2025-12-15.

Conditions:
Cardiovascular phenotype. Identifiers: MedGen CN230736.
Dilated cardiomyopathy 1G (CMD1G). Identifiers: Orphanet 154, MedGen C1858763, MONDO:0011400, OMIM 604145.
Autosomal recessive limb-girdle muscular dystrophy type 2J (LGMDR10). Also called: Limb-girdle muscular dystrophy, type 2J; MUSCULAR DYSTROPHY, LIMB-GIRDLE, AUTOSOMAL RECESSIVE 10. Identifiers: Orphanet 140922, MedGen C1837342, MONDO:0012127, OMIM 608807.

Allele frequency attached by ClinVar (database versions not stated): TOPMed 0.00004.
gnomAD v4.1: 52 of 1,611,950 alleles (0.0032%); highest among the groups gnomAD compares: Admixed American, 0.054%; no homozygotes.

Submissions (5):

Labcorp Genetics (formerly Invitae), Labcorp
Classification: Likely benign for Dilated cardiomyopathy 1G; Autosomal recessive limb-girdle muscular dystrophy type 2J. Last evaluated: 2025-12-15. Review status: criteria provided, single submitter. Criteria: Invitae Variant Classification Sherloc (09022015). Collection method: clinical testing. Allele origin: germline.

Revvity Omics, Revvity
Classification: Uncertain significance. Last evaluated: 2024-02-26. Review status: criteria provided, single submitter. Criteria: ACMG Guidelines, 2015. Collection method: clinical testing. Allele origin: germline.

Mayo Clinic Laboratories, Mayo Clinic
Classification: Uncertain significance. Last evaluated: 2020-08-17. Review status: criteria provided, single submitter. Criteria: ACMG Guidelines, 2015. Collection method: clinical testing. Allele origin: germline. Observed: 1 variant allele.

Ambry Genetics
Classification: Uncertain significance for Cardiovascular phenotype. Last evaluated: 2019-10-21. Review status: criteria provided, single submitter. Criteria: Ambry Variant Classification Scheme 2023. Collection method: clinical testing. Allele origin: germline.
Comment: The p.A5953E variant (also known as c.17858C>A), located in coding exon 71 of the TTN gene, results from a C to A substitution at nucleotide position 17858. The alanine at codon 5953 is replaced by glutamic acid, an amino acid with dissimilar properties. This amino acid position is well conserved in available vertebrate species. In addition, this alteration is predicted to be tolerated by in silico analysis. Since supporting evidence is limited at this time, the clinical significance of this alteration remains unclear.

GeneDx
Classification: Likely benign. Last evaluated: 2018-12-05. Review status: criteria provided, single submitter. Criteria: GeneDx Variant Classification Process June 2021. Collection method: clinical testing. Allele origin: germline. Affected: yes.

NM_001267550.2(TTN):c.45053C>A (p.Ala15018Glu)

Genes: TTN (titin; minus strand), LOC126806427 (BRD4-independent group 4 enhancer GRCh37_chr2:179485777-179486976; plus strand). Cytogenetic location: 2q31.2.
Variant type: single nucleotide variant.
Coding change: c.45053C>A on transcript NM_001267550.2 (MANE Select); coding-DNA position 45053, C replaced by A.
Protein change: p.Ala15018Glu; replaces alanine 15018 with glutamic acid.
Molecular consequence: missense variant.
Genome position (GRCh38, 1-based): chr2:178,621,869, G>T on the plus strand (C>A on the coding strand, the complement: TTN is on the minus strand). VCF-style: chr2-178621869-G-T. GRCh37 (hg19) VCF-style: chr2-179486596-G-T.
Other names: c.40130C>A, p.Ala13377Glu (NM_001256850.1); c.17858C>A, p.Ala5953Glu (NM_003319.4); c.37349C>A, p.Ala12450Glu (NM_133378.4); c.18233C>A, p.Ala6078Glu (NM_133432.3); c.18434C>A, p.Ala6145Glu (NM_133437.4); short protein forms A13377E, A15018E, A12450E, A5953E, A6078E, A6145E.
Identifiers: ClinVar variation 516953 (VCV000516953.22), dbSNP rs72677221, ClinGen allele CA1995514.
Genomic context (GRCh38, chr2:178,621,869, plus strand): 5'-TATACTTCACAAAGAATGACTTTACTCTTACCCAGAACTGTCAGCATGCCAGAAGTTCTC[G>T]CTGTCCTTACTTCACAGGAATATTCAGCTTCATCATCCAGTAGACATTTGTTGATGACAA-3'
Protein context (NP_001254479.2, residues 15008-15028): EAEYSCEVRT[Ala15018Glu]RTSGMLTVLE